The following is an entry in ClinVar:

NM_015158.5(KANK1):c.265A>G (p.Thr89Ala)

Gene: KANK1 (KN motif and ankyrin repeat domains 1; plus strand). Cytogenetic location: 9p24.3.
Variant type: single nucleotide variant.
Coding change: c.265A>G on transcript NM_015158.5 (MANE Select); coding-DNA position 265, A replaced by G.
Protein change: p.Thr89Ala; replaces threonine 89 with alanine.
Molecular consequence: missense variant. On other transcripts: 5 prime UTR variant (12), non-coding transcript variant (1).
Genome position (GRCh38, 1-based): chr9:711,031, A>G. VCF-style: chr9-711031-A-G. GRCh37 (hg19) VCF-style: chr9-711031-A-G.
Other names: c.265A>G, p.Thr89Ala (NM_001256876.3, NM_001256877.3, NM_001354331.2 and 2 more transcripts); c.-210A>G (NM_001354333.2, NM_001354335.2, NM_001354336.2 and 9 more transcripts); short protein forms T89A.
Identifiers: ClinVar variation 2094619 (VCV002094619.4), dbSNP rs2539673778, ClinGen allele CA372745811.
Genomic context (GRCh38, chr9:711,031, plus strand): 5'-CCGTCCGTGCCATGCCCAGAACCCAGGACCACATCTGGTCAGCAAGGTATATGGACTTCC[A>G]CTGAATCCCTCTCATCCTCCAACAGTGATGACAACAAGCAGTGCCCCAACTTCCTCATAG-3'
Protein context (NP_055973.2, residues 79-99): TSGQQGIWTS[Thr89Ala]ESLSSSNSDD

ClinVar aggregate classification (germline): Uncertain significance (1 of 4 stars; one submission).

gnomAD v4.1: 2 of 1,614,212 alleles (0.00012%); highest among the groups gnomAD compares: South Asian, 0.0011%; no homozygotes.

Submission:

Labcorp Genetics (formerly Invitae), Labcorp
Classification: Uncertain significance. Last evaluated: 2022-09-13. Review status: criteria provided, single submitter. Criteria: Invitae Variant Classification Sherloc (09022015). Collection method: clinical testing. Allele origin: germline.
Comment: This variant is not present in population databases (gnomAD no frequency). This sequence change replaces threonine, which is neutral and polar, with alanine, which is neutral and non-polar, at codon 89 of the KANK1 protein (p.Thr89Ala). This variant has not been reported in the literature in individuals affected with KANK1-related conditions. Algorithms developed to predict the effect of missense changes on protein structure and function (SIFT, PolyPhen-2, Align-GVGD) all suggest that this variant is likely to be tolerated. In summary, the available evidence is currently insufficient to determine the role of this variant in disease. Therefore, it has been classified as a Variant of Uncertain Significance.